The following is an entry in ClinVar:

ClinVar aggregate classification (germline): Uncertain significance (1 of 4 stars; one submission).

Conditions:
Tumor predisposition syndrome 3 (TPDS3). Also called: Melanoma, cutaneous malignant, susceptibility to, 10; Glioma susceptibility 9; LONG TELOMERE SYNDROME, POT1-RELATED; POT1 Tumor Predisposition. Identifiers: Orphanet 618, MedGen C4014476, MONDO:0014368, OMIM 615848.

Submission:

Labcorp Genetics (formerly Invitae), Labcorp
Classification: Uncertain significance for Tumor predisposition syndrome 3. Last evaluated: 2022-08-16. Review status: criteria provided, single submitter. Criteria: Invitae Variant Classification Sherloc (09022015). Collection method: clinical testing. Allele origin: germline.
Comment: In summary, the available evidence is currently insufficient to determine the role of this variant in disease. Therefore, it has been classified as a Variant of Uncertain Significance. Algorithms developed to predict the effect of missense changes on protein structure and function are either unavailable or do not agree on the potential impact of this missense change (SIFT: "Deleterious"; PolyPhen-2: "Probably Damaging"; Align-GVGD: "Class C0"). ClinVar contains an entry for this variant (Variation ID: 1348904). This variant has not been reported in the literature in individuals affected with POT1-related conditions. This variant is not present in population databases (gnomAD no frequency). This sequence change replaces tyrosine, which is neutral and polar, with histidine, which is basic and polar, at codon 26 of the POT1 protein (p.Tyr26His).

NM_015450.3(POT1):c.76T>C (p.Tyr26His)

Gene: POT1 (protection of telomeres 1; minus strand). Cytogenetic location: 7q31.33.
Variant type: single nucleotide variant.
Coding change: c.76T>C on transcript NM_015450.3 (MANE Select); coding-DNA position 76, T replaced by C.
Protein change: p.Tyr26His; replaces tyrosine 26 with histidine.
Molecular consequence: missense variant. On other transcripts: 5 prime UTR variant (1), non-coding transcript variant (3).
Genome position (GRCh38, 1-based): chr7:124,892,314, A>G on the plus strand (T>C on the coding strand, the complement: POT1 is on the minus strand). VCF-style: chr7-124892314-A-G. GRCh37 (hg19) VCF-style: chr7-124532368-A-G.
Other names: c.-187T>C (NM_001042594.2); short protein forms Y26H.
Identifiers: ClinVar variation 1348904 (VCV001348904.8), dbSNP rs2116629689, ClinGen allele CA369066121.